The following is an entry in ClinVar:

ClinVar aggregate classification (germline): Uncertain significance (1 of 4 stars; one submission).

Conditions:
Benign neonatal seizures. Also called: Benign familial neonatal epilepsy; Convulsions benign familial neonatal dominant form; Autosomal dominant form of benign neonatal seizures; Benign neonatal familial convulsions; Benign familial neonatal seizures. Identifiers: Orphanet 1949, MedGen C0220669, MONDO:0016027.

Submission:

Labcorp Genetics (formerly Invitae), Labcorp
Classification: Uncertain significance for Benign neonatal seizures. Last evaluated: 2024-07-16. Review status: criteria provided, single submitter. Criteria: Invitae Variant Classification Sherloc (09022015). Collection method: clinical testing. Allele origin: germline.
Comment: This variant, c.45_71del, results in the deletion of 9 amino acid(s) of the KCNQ3 protein (p.Gly16_Gly24del), but otherwise preserves the integrity of the reading frame. This variant is not present in population databases (gnomAD no frequency). This variant has not been reported in the literature in individuals affected with KCNQ3-related conditions. Experimental studies and prediction algorithms are not available or were not evaluated, and the functional significance of this variant is currently unknown. In summary, the available evidence is currently insufficient to determine the role of this variant in disease. Therefore, it has been classified as a Variant of Uncertain Significance.

NM_004519.4(KCNQ3):c.45_71del (p.Gly16_Gly24del)

Gene: KCNQ3 (potassium voltage-gated channel subfamily Q member 3; minus strand). Cytogenetic location: 8q24.22.
Variant type: Deletion.
Coding change: c.45_71del on transcript NM_004519.4 (MANE Select); coding-DNA positions 45 to 71, 27 bases deleted (CGGCGACGGGGGCGGCGGAGGCGGCGG).
Protein change: p.Gly16_Gly24del.
Genome position (GRCh38, 1-based): chr8:132,480,462-132,480,488, CCGCCGCCTCCGCCGCCCCCGTCGCCG deleted on the plus strand (CGGCGACGGGGGCGGCGGAGGCGGCGG on the coding strand, the reverse complement: KCNQ3 is on the minus strand); deleting any 27 consecutive bases within chr8:132,480,462-132,480,496 gives the same sequence; the c. name uses the placement nearest the transcript's 3' end. VCF-style (leftmost placement, unchanged base first): chr8-132480461-CCCGCCGCCTCCGCCGCCCCCGTCGCCG-C. GRCh37 (hg19) VCF-style: chr8-133492708-CCCGCCGCCTCCGCCGCCCCCGTCGCCG-C.
Identifiers: ClinVar variation 3630473 (VCV003630473.2).
Genomic context (GRCh38, chr8:132,480,461, plus strand): 5'-CCCCACTTTCCGCTCCTCGTCGCCGGCCGCCGCCGCGTCCCCTCCGGCTGGGTTAGCCGC[CCCGCCGCCTCCGCCGCCCCCGTCGCCG>C]CCGCCGCCAGCCGCCCCCGCCGCCCTGCGCGCCTTGAGCCCCATCTGCCTCGCCCCCGCC-3'